The following is an entry in ClinVar:

NM_001142800.2(EYS):c.4264A>T (p.Thr1422Ser)

Gene: EYS (EGF-like photoreceptor maintenance factor; minus strand). Cytogenetic location: 6q12.
Variant type: single nucleotide variant.
Coding change: c.4264A>T on transcript NM_001142800.2 (MANE Select); coding-DNA position 4264, A replaced by T.
Protein change: p.Thr1422Ser; replaces threonine 1422 with serine.
Molecular consequence: missense variant.
Genome position (GRCh38, 1-based): chr6:64,591,603, T>A on the plus strand (A>T on the coding strand, the complement: EYS is on the minus strand). VCF-style: chr6-64591603-T-A. GRCh37 (hg19) VCF-style: chr6-65301496-T-A.
Other names: c.4264A>T, p.Thr1422Ser (NM_001292009.2); short protein forms T1422S.
Identifiers: ClinVar variation 724735 (VCV000724735.41), dbSNP rs200318120, ClinGen allele CA3877094.
Genomic context (GRCh38, chr6:64,591,603, plus strand): 5'-ACTGCCTGTTTAGCTCAATATCAGCCCCTGGAATGCTTCTAATTACTGAAGTCGTTGGGG[T>A]AGCAGATAAAGCAACAGTCTGACAGTTCTCAAATAATAAAGATTGTGTAGGAAAAATAAA-3'
Protein context (NP_001136272.1, residues 1412-1432): ENCQTVALSA[Thr1422Ser]PTTSVIRSIP

ClinVar aggregate classification (germline): Conflicting classifications of pathogenicity. Review status: criteria provided, conflicting classifications (1 of 4 stars). 6 submissions from 6 submitters: Uncertain significance (2); Likely benign (3). 1 of the submissions does not count toward it. Last evaluated 2026-01-28.

Conditions:
Retinitis pigmentosa 25 (RP25). Identifiers: Orphanet 791, MedGen C1864446, MONDO:0011272, OMIM 602772.
Inborn genetic diseases. Identifiers: MedGen C0950123, MeSH D030342.
Retinitis pigmentosa (RP). Identifiers: Orphanet 791, MedGen C0035334, MeSH D012174, MONDO:0019200, OMIM 268000. Inheritance: Autosomal dominant, autosomal recessive and X linked inheritance.

Allele frequency attached by ClinVar (database versions not stated): ExAC 0.00076; ESP Exome Variant Server 0.00219; gnomAD 0.00253 and 0.00269; 1000 Genomes Project 0.00260; TOPMed 0.00300; 1000 Genomes Project 30x 0.00359.
gnomAD v4.1: 798 of 1,551,118 alleles (0.051%); highest among the groups gnomAD compares: African/African-American, 0.93%; 7 homozygotes.

Submissions (6):

Labcorp Genetics (formerly Invitae), Labcorp
Classification: Likely benign. Last evaluated: 2026-01-28. Review status: criteria provided, single submitter. Criteria: Invitae Variant Classification Sherloc (09022015). Collection method: clinical testing. Allele origin: germline.

CeGaT Center for Human Genetics Tuebingen
Classification: Likely benign. Last evaluated: 2025-10-01. Review status: criteria provided, single submitter. Criteria: CeGaT Center For Human Genetics Tuebingen Variant Classification Criteria Version 2. Collection method: clinical testing. Allele origin: germline. Affected: yes. Observed: 2 variant alleles.
Comment: EYS: BP4, BS2

Blueprint Genetics
Classification: Likely benign. Last evaluated: 2024-09-11. Review status: criteria provided, single submitter. Criteria: ACMG Guidelines, 2015. Collection method: clinical testing. Allele origin: germline.

Ambry Genetics
Classification: Uncertain significance for Inborn genetic diseases. Last evaluated: 2021-08-02. Review status: criteria provided, single submitter. Criteria: Ambry Variant Classification Scheme 2023. Collection method: clinical testing. Allele origin: germline.

Illumina Laboratory Services, Illumina
Classification: Uncertain significance for Retinitis pigmentosa. Last evaluated: 2018-01-13. Review status: criteria provided, single submitter. Criteria: ICSL Variant Classification Criteria 13 December 2019. Collection method: clinical testing. Allele origin: germline.

Natera, Inc.
Classification: Likely benign for Retinitis pigmentosa type 25. Last evaluated: 2019-11-11. Review status: no assertion criteria provided. Collection method: clinical testing. Allele origin: germline. Not counted in ClinVar's aggregate classification.